The following is an entry in ClinVar:

NM_007327.4(GRIN1):c.2333A>C (p.Lys778Thr)

Gene: GRIN1 (glutamate ionotropic receptor NMDA type subunit 1; plus strand). Cytogenetic location: 9q34.3.
Variant type: single nucleotide variant.
Coding change: c.2333A>C on transcript NM_007327.4 (MANE Select); coding-DNA position 2333, A replaced by C.
Protein change: p.Lys778Thr; replaces lysine 778 with threonine.
Molecular consequence: missense variant.
Genome position (GRCh38, 1-based): chr9:137,163,330, A>C. VCF-style: chr9-137163330-A-C. GRCh37 (hg19) VCF-style: chr9-140057782-A-C.
Other names: c.2333A>C, p.Lys778Thr (NM_000832.7, NM_021569.4); c.2396A>C, p.Lys799Thr (NM_001185090.2, NM_001185091.2); short protein forms K778T, K799T.
Identifiers: ClinVar variation 1716054 (VCV001716054.6), dbSNP rs2538645823, ClinGen allele CA375724769.

ClinVar aggregate classification (germline): Uncertain significance (1 of 4 stars; one submission).

Conditions:
Neurodevelopmental disorder with or without hyperkinetic movements and seizures, autosomal dominant. Also called: Intellectual disability, autosomal dominant 8. Identifiers: MedGen C3280282, MONDO:0013655, OMIM 614254.

Submission:

Labcorp Genetics (formerly Invitae), Labcorp
Classification: Uncertain significance for Neurodevelopmental disorder with or without hyperkinetic movements and seizures, autosomal dominant. Last evaluated: 2022-08-10. Review status: criteria provided, single submitter. Criteria: Invitae Variant Classification Sherloc (09022015). Collection method: clinical testing. Allele origin: germline.
Comment: In summary, the available evidence is currently insufficient to determine the role of this variant in disease. Therefore, it has been classified as a Variant of Uncertain Significance. Algorithms developed to predict the effect of missense changes on protein structure and function (SIFT, PolyPhen-2, Align-GVGD) all suggest that this variant is likely to be tolerated. This variant has not been reported in the literature in individuals affected with GRIN1-related conditions. This variant is not present in population databases (gnomAD no frequency). This sequence change replaces lysine, which is basic and polar, with threonine, which is neutral and polar, at codon 778 of the GRIN1 protein (p.Lys778Thr).